The following is an entry in ClinVar:

NM_005228.5(EGFR):c.661G>A (p.Gly221Arg)

Gene: EGFR (epidermal growth factor receptor; plus strand). Cytogenetic location: 7p11.2.
Variant type: single nucleotide variant.
Coding change: c.661G>A on transcript NM_005228.5 (MANE Select); coding-DNA position 661, G replaced by A.
Protein change: p.Gly221Arg; replaces glycine 221 with arginine.
Molecular consequence: missense variant. On other transcripts: intron variant (1).
Genome position (GRCh38, 1-based): chr7:55,152,578, G>A. VCF-style: chr7-55152578-G-A. GRCh37 (hg19) VCF-style: chr7-55220271-G-A.
Other names: c.526G>A, p.Gly176Arg (NM_001346897.2, NM_001346899.2); c.661G>A, p.Gly221Arg (NM_001346898.2, NM_201282.2, NM_201283.2 and 1 more transcripts); c.502G>A, p.Gly168Arg (NM_001346900.2); c.89-3252G>A (NM_001346941.2); short protein forms G221R, G168R, G176R.
Identifiers: ClinVar variation 947643 (VCV000947643.9), dbSNP rs776886714, ClinGen allele CA4265314.

ClinVar aggregate classification (germline): Conflicting classifications of pathogenicity. Review status: criteria provided, conflicting classifications (1 of 4 stars). 3 submissions from 3 submitters: Uncertain significance (1); Likely benign (1). 1 of the submissions does not count toward it. Last evaluated 2025-04-16.

Conditions:
EGFR-related lung cancer (EGFR). Identifiers: MedGen CN130014.
Hereditary cancer-predisposing syndrome. Also called: Hereditary neoplastic syndrome; Neoplastic Syndromes, Hereditary; Tumor predisposition; Hereditary Cancer Syndrome. Identifiers: Orphanet 140162, MedGen C0027672, MeSH D009386, MONDO:0015356.

gnomAD v4.1: 15 of 1,613,830 alleles (0.00093%); highest among the groups gnomAD compares: South Asian, 0.0011%; no homozygotes.

Submissions (3):

Ambry Genetics
Classification: Likely benign for Hereditary cancer-predisposing syndrome. Last evaluated: 2025-04-16. Review status: criteria provided, single submitter. Criteria: Ambry Variant Classification Scheme 2023. Collection method: clinical testing. Allele origin: germline.

Labcorp Genetics (formerly Invitae), Labcorp
Classification: Uncertain significance for EGFR-related lung cancer. Last evaluated: 2025-01-06. Review status: criteria provided, single submitter. Criteria: Invitae Variant Classification Sherloc (09022015). Collection method: clinical testing. Allele origin: germline.
Comment: This sequence change replaces glycine, which is neutral and non-polar, with arginine, which is basic and polar, at codon 221 of the EGFR protein (p.Gly221Arg). This variant is present in population databases (rs776886714, gnomAD 0.0009%). This variant has not been reported in the literature in individuals affected with EGFR-related conditions. ClinVar contains an entry for this variant (Variation ID: 947643). Invitae Evidence Modeling of protein sequence and biophysical properties (such as structural, functional, and spatial information, amino acid conservation, physicochemical variation, residue mobility, and thermodynamic stability) indicates that this missense variant is not expected to disrupt EGFR protein function with a negative predictive value of 80%. In summary, the available evidence is currently insufficient to determine the role of this variant in disease. Therefore, it has been classified as a Variant of Uncertain Significance.

Department of Pathology and Laboratory Medicine, Sinai Health System
Classification: Uncertain significance. Review status: no assertion criteria provided. Collection method: clinical testing. Allele origin: unknown. Affected: yes. Study: The Canadian Open Genetics Repository (COGR). Not counted in ClinVar's aggregate classification.
Comment: The EGFR p.Gly176Arg variant was not identified in the literature nor was it identified in ClinVar, Cosmic, or LOVD 3.0. The variant was identified in dbSNP (ID: rs776886714) and in control databases in 1 of 251084 chromosomes at a frequency of 0.000004 (Genome Aggregation Database Feb 27, 2017). The variant was observed in the European (non-Finnish) population in 1 of 113504 chromosomes (freq: 0.000009), it was not observed in the African, Latino, Ashkenazi Jewish, East Asian, European (Finnish), South Asian or Other populations. The variant occurs outside of the splicing consensus sequence and in silico splicing prediction programs (SpliceSiteFinder-like, MaxEntSacn, NNSPLICE, and GeneSplicer) do not predict a difference in splicing. The p.Gly176 residue is not conserved in mammals and 4 of 5 computational analysis programs (PolyPhen-2, SIFT, AlignGVGD, MutationTaster) do not suggest a high likelihood of impact to the protein; however, this information is not predictive enough to rule out pathogenicity. In summary, based on the above information the clinical significance of this variant cannot be determined with certainty at this time. This variant is classified as a variant of uncertain significance.